The following is an entry in ClinVar:

NM_004260.4(RECQL4):c.498G>C (p.Gln166His)

Gene: RECQL4 (RecQ like helicase 4; minus strand). Cytogenetic location: 8q24.3.
Variant type: single nucleotide variant.
Coding change: c.498G>C on transcript NM_004260.4 (MANE Select); coding-DNA position 498, G replaced by C.
Protein change: p.Gln166His; replaces glutamine 166 with histidine.
Molecular consequence: missense variant.
Genome position (GRCh38, 1-based): chr8:144,516,621, C>G on the plus strand (G>C on the coding strand, the complement: RECQL4 is on the minus strand). VCF-style: chr8-144516621-C-G. GRCh37 (hg19) VCF-style: chr8-145742005-C-G.
Other names: c.498G>C, p.Gln166His (NM_001413017.1, NM_001413018.1, NM_001413019.1 and 4 more transcripts); c.-574G>C (NM_001413022.1, NM_001413023.1, NM_001413024.1 and 5 more transcripts); c.-843G>C (NM_001413043.1); c.369G>C, p.Gln123His (NM_001413025.1); c.-636G>C (NM_001413027.1, NM_001413030.1, NM_001413031.1 and 2 more transcripts); c.-478G>C (NM_001413034.1); short protein forms Q166H, Q123H.
Identifiers: ClinVar variation 2145049 (VCV002145049.4), dbSNP rs761189570, ClinGen allele CA372691246.
Genomic context (GRCh38, chr8:144,516,621, plus strand): 5'-TAGGGAGCCCAGCCGCTGGCTCAGGGATGCCTGCAGATGCTGGAGCCGGCCTGGCCTTGG[C>G]TGGGGCTCAGGGAGCTGTGGAGGCTCATCACTGACTTTTTCTGCAAAGGAGGGGACAGGC-3'
Protein context (NP_004251.4, residues 156-176): SDEPPQLPEP[Gln166His]PRPGRLQHLQ

ClinVar aggregate classification (germline): Uncertain significance (1 of 4 stars; one submission).

Conditions:
Baller-Gerold syndrome (BGS). Also called: CRANIOSYNOSTOSIS WITH RADIAL DEFECTS. Identifiers: Orphanet 1225, MedGen C0265308, MONDO:0009039, OMIM 218600.

Submission:

Labcorp Genetics (formerly Invitae), Labcorp
Classification: Uncertain significance for Baller-Gerold syndrome. Last evaluated: 2022-09-23. Review status: criteria provided, single submitter. Criteria: Invitae Variant Classification Sherloc (09022015). Collection method: clinical testing. Allele origin: germline.
Comment: This sequence change replaces glutamine, which is neutral and polar, with histidine, which is basic and polar, at codon 166 of the RECQL4 protein (p.Gln166His). This variant is not present in population databases (gnomAD no frequency). This variant has not been reported in the literature in individuals affected with RECQL4-related conditions. Experimental studies and prediction algorithms are not available or were not evaluated, and the functional significance of this variant is currently unknown. In summary, the available evidence is currently insufficient to determine the role of this variant in disease. Therefore, it has been classified as a Variant of Uncertain Significance.